The following is an entry in ClinVar:

NM_015001.3(SPEN):c.7844C>T (p.Ala2615Val)

Gene: SPEN (spen family transcriptional repressor; plus strand). Cytogenetic location: 1p36.13.
Variant type: single nucleotide variant.
Coding change: c.7844C>T on transcript NM_015001.3 (MANE Select); coding-DNA position 7844, C replaced by T.
Protein change: p.Ala2615Val; replaces alanine 2615 with valine.
Molecular consequence: missense variant.
Genome position (GRCh38, 1-based): chr1:15,934,084, C>T. VCF-style: chr1-15934084-C-T. GRCh37 (hg19) VCF-style: chr1-16260579-C-T.
Other names: short protein forms A2615V.
Identifiers: ClinVar variation 4873065 (VCV004873065.2).
Genomic context (GRCh38, chr1:15,934,084, plus strand): 5'-AGATACAAGCCTCGGAGGTGCTGGTAGCTGCTGACAAGGAAAAGGTGGCTCCAGTCATTG[C>T]TCCCAAAATTACCTCTGTTATTAGCCGGATGCCTGTCAGCATTGACCTGGAAAATTCACA-3'
Protein context (NP_055816.2, residues 2605-2625): ADKEKVAPVI[Ala2615Val]PKITSVISRM

ClinVar aggregate classification (germline): Likely benign (1 of 4 stars; one submission).

gnomAD v4.1: 380 of 1,610,278 alleles (0.024%); highest among the groups gnomAD compares: Non-Finnish European, 0.03%; no homozygotes.

Submission:

CeGaT Center for Human Genetics Tuebingen
Classification: Likely benign. Last evaluated: 2026-06-01. Review status: criteria provided, single submitter. Criteria: CeGaT Center For Human Genetics Tuebingen Variant Classification Criteria Version 2. Collection method: clinical testing. Allele origin: germline. Affected: yes. Observed: 1 variant allele.
Comment: SPEN: BP4, BS1